The following is an entry in ClinVar:

NM_138420.4(AHNAK2):c.3042G>C (p.Gly1014=)

Gene: AHNAK2 (AHNAK nucleoprotein 2; minus strand). Cytogenetic location: 14q32.33.
Variant type: single nucleotide variant.
Coding change: c.3042G>C on transcript NM_138420.4 (MANE Select); coding-DNA position 3042, G replaced by C.
Protein change: p.Gly1014=; no amino-acid change (glycine 1014 retained).
Molecular consequence: synonymous variant.
Genome position (GRCh38, 1-based): chr14:104,952,409, C>G on the plus strand (G>C on the coding strand, the complement: AHNAK2 is on the minus strand). VCF-style: chr14-104952409-C-G. GRCh37 (hg19) VCF-style: chr14-105418746-C-G.
Other names: c.2742G>C, p.Gly914= (NM_001350929.2).
Identifiers: ClinVar variation 2644867 (VCV002644867.24), dbSNP rs765638850, ClinGen allele CA7383251.

ClinVar aggregate classification (germline): Likely benign (1 of 4 stars; one submission).

Allele frequency attached by ClinVar (database versions not stated): ExAC 0.00031.

Submission:

CeGaT Center for Human Genetics Tuebingen
Classification: Likely benign. Last evaluated: 2026-07-01. Review status: criteria provided, single submitter. Criteria: CeGaT Center For Human Genetics Tuebingen Variant Classification Criteria Version 2. Collection method: clinical testing. Allele origin: germline. Affected: yes. Observed: 7 variant alleles.
Comment: AHNAK2: BP4, BP7